The following is an entry in ClinVar:

ClinVar aggregate classification (germline): Likely benign. Review status: criteria provided, multiple submitters, no conflicts (2 of 4 stars). 4 submissions from 4 submitters: Likely benign (3). 1 of the submissions does not count toward it. Last evaluated 2026-01-02.

Conditions:
POLE-related disorder. Also called: POLE-related condition; POLE-related disorders.
Hereditary cancer-predisposing syndrome. Also called: Hereditary Cancer Syndrome; Hereditary neoplastic syndrome; Neoplastic Syndromes, Hereditary; Tumor predisposition. Identifiers: Orphanet 140162, MedGen C0027672, MeSH D009386, MONDO:0015356.

Allele frequency attached by ClinVar (database versions not stated): ExAC 0.00001; TOPMed 0.00002; gnomAD 0.00003.
gnomAD v4.1: 40 of 1,613,944 alleles (0.0025%); highest among the groups gnomAD compares: East Asian, 0.0067%; no homozygotes.

Submissions (4):

Labcorp Genetics (formerly Invitae), Labcorp
Classification: Likely benign. Last evaluated: 2026-01-02. Review status: criteria provided, single submitter. Criteria: Invitae Variant Classification Sherloc (09022015). Collection method: clinical testing. Allele origin: germline.

GeneDx
Classification: Likely benign. Last evaluated: 2017-07-27. Review status: criteria provided, single submitter. Criteria: GeneDx Variant Classification (06012015). Collection method: clinical testing. Allele origin: germline. Affected: yes.
Comment: This variant is considered likely benign or benign based on one or more of the following criteria: it is a conservative change, it occurs at a poorly conserved position in the protein, it is predicted to be benign by multiple in silico algorithms, and/or has population frequency not consistent with disease.

Ambry Genetics
Classification: Likely benign for Hereditary cancer-predisposing syndrome. Last evaluated: 2015-12-08. Review status: criteria provided, single submitter. Criteria: Ambry Variant Classification Scheme 2023. Collection method: clinical testing. Allele origin: germline.

PreventionGenetics, part of Exact Sciences
Classification: Likely benign for POLE-related condition. Last evaluated: 2021-02-02. Review status: no assertion criteria provided. Collection method: clinical testing. Allele origin: germline. Not counted in ClinVar's aggregate classification.
Comment: This variant is classified as likely benign based on ACMG/AMP sequence variant interpretation guidelines (Richards et al. 2015 PMID: 25741868, with internal and published modifications).

NM_006231.4(POLE):c.3417C>T (p.Ser1139=)

Gene: POLE (DNA polymerase epsilon, catalytic subunit; minus strand). Cytogenetic location: 12q24.33.
Variant type: single nucleotide variant.
Coding change: c.3417C>T on transcript NM_006231.4 (MANE Select); coding-DNA position 3417, C replaced by T.
Protein change: p.Ser1139=; no amino-acid change (serine 1139 retained).
Molecular consequence: synonymous variant.
Genome position (GRCh38, 1-based): chr12:132,657,391, G>A on the plus strand (C>T on the coding strand, the complement: POLE is on the minus strand). VCF-style: chr12-132657391-G-A. GRCh37 (hg19) VCF-style: chr12-133233977-G-A.
Identifiers: ClinVar variation 383961 (VCV000383961.18), dbSNP rs762838377, ClinGen allele CA6893239.